The following is an entry in ClinVar:

NM_007186.6(CEP250):c.2039C>T (p.Ala680Val)

Genes: CEP250 (centrosomal protein 250; plus strand), CEP250-AS1 (CEP250 antisense RNA 1; minus strand). Cytogenetic location: 20q11.22.
Variant type: single nucleotide variant.
Coding change: c.2039C>T on transcript NM_007186.6 (MANE Select); coding-DNA position 2039, C replaced by T.
Protein change: p.Ala680Val; replaces alanine 680 with valine.
Molecular consequence: missense variant.
Genome position (GRCh38, 1-based): chr20:35,478,046, C>T. VCF-style: chr20-35478046-C-T. GRCh37 (hg19) VCF-style: chr20-34065871-C-T.
Other names: c.143C>T, p.Ala48Val (NM_001318219.1); short protein forms A48V, A680V.
Identifiers: ClinVar variation 1357495 (VCV001357495.30), dbSNP rs1298763139, ClinGen allele CA408766670.
Genomic context (GRCh38, chr20:35,478,046, plus strand): 5'-AGAACACTCACCTGGAGGCTCAGCTGCAGAAAGCTGAGGAGGCTGGGGCTGAGCTGCAGG[C>T]AGATCTCAGGGACATCCAAGAAGAGAAGGAAGAAATTCAAAAGAAACTAAGTGAGGTGAG-3'
Protein context (NP_009117.2, residues 670-690): KAEEAGAELQ[Ala680Val]DLRDIQEEKE

ClinVar aggregate classification (germline): Conflicting classifications of pathogenicity. Review status: criteria provided, conflicting classifications (1 of 4 stars). 2 submissions from 2 submitters: Uncertain significance (1); Likely benign (1). Last evaluated 2022-08-01.

Allele frequency attached by ClinVar (database versions not stated): gnomAD exomes 0.00001; TOPMed 0.00002.
gnomAD v4.1: 4 of 1,613,994 alleles (0.00025%); highest among the groups gnomAD compares: East Asian, 0.0067%; no homozygotes.

Submissions (2):

CeGaT Center for Human Genetics Tuebingen
Classification: Likely benign. Last evaluated: 2022-08-01. Review status: criteria provided, single submitter. Criteria: CeGaT Center For Human Genetics Tuebingen Variant Classification Criteria Version 2. Collection method: clinical testing. Allele origin: germline. Affected: yes. Observed: 1 variant allele.
Comment: CEP250: BP4

Labcorp Genetics (formerly Invitae), Labcorp
Classification: Uncertain significance. Last evaluated: 2022-03-10. Review status: criteria provided, single submitter. Criteria: Invitae Variant Classification Sherloc (09022015). Collection method: clinical testing. Allele origin: germline.
Comment: This sequence change replaces alanine, which is neutral and non-polar, with valine, which is neutral and non-polar, at codon 680 of the CEP250 protein (p.Ala680Val). In summary, the available evidence is currently insufficient to determine the role of this variant in disease. Therefore, it has been classified as a Variant of Uncertain Significance. Algorithms developed to predict the effect of missense changes on protein structure and function are either unavailable or do not agree on the potential impact of this missense change (SIFT: "Not Available"; PolyPhen-2: "Benign"; Align-GVGD: "Not Available"). This variant has not been reported in the literature in individuals affected with CEP250-related conditions. This variant is present in population databases (no rsID available, gnomAD 0.01%).